The following is an entry in ClinVar:

NM_018451.5(CPAP):c.3217-3T>C

Gene: CPAP (centrosome assembly and centriole elongation protein; minus strand). Cytogenetic location: 13q12.12.
Variant type: single nucleotide variant.
Coding change: c.3217-3T>C on transcript NM_018451.5 (MANE Select); 3 bases into the intron before coding-DNA position 3217, T replaced by C.
Molecular consequence: intron variant.
Genome position (GRCh38, 1-based): chr13:24,889,403, A>G on the plus strand (T>C on the coding strand, the complement: CPAP is on the minus strand). VCF-style: chr13-24889403-A-G. GRCh37 (hg19) VCF-style: chr13-25463541-A-G.
Identifiers: ClinVar variation 1394580 (VCV001394580.6), dbSNP rs2138557413, ClinGen allele CA2573149175.
Genomic context (GRCh38, chr13:24,889,403, plus strand): 5'-ATTTTTCTACCTGGGTTCCTGAAGAAATCTGACTGTTTTGAAATCGAACAGATGTGTTCT[A>G]TAGTATAAGAGATAATTTTTTATTTAAAATGAGTGTTAGTCTATTAATACACTAAGTGAA-3'

ClinVar aggregate classification (germline): Uncertain significance (1 of 4 stars; one submission).

Allele frequency attached by ClinVar (database versions not stated): gnomAD exomes below 0.00001.
gnomAD v4.1: 2 of 1,583,852 alleles (0.00013%); highest among the groups gnomAD compares: Non-Finnish European, 0.00017%; no homozygotes.

Submission:

Labcorp Genetics (formerly Invitae), Labcorp
Classification: Uncertain significance. Last evaluated: 2021-11-22. Review status: criteria provided, single submitter. Criteria: Invitae Variant Classification Sherloc (09022015). Collection method: clinical testing. Allele origin: germline.
Comment: This sequence change falls in intron 10 of the CENPJ gene. It does not directly change the encoded amino acid sequence of the CENPJ protein. It affects a nucleotide within the consensus splice site. In summary, the available evidence is currently insufficient to determine the role of this variant in disease. Therefore, it has been classified as a Variant of Uncertain Significance. Variants that disrupt the consensus splice site are a relatively common cause of aberrant splicing (PMID: 17576681, 9536098). Algorithms developed to predict the effect of sequence changes on RNA splicing suggest that this variant is not likely to affect RNA splicing. This variant has not been reported in the literature in individuals affected with CENPJ-related conditions. This variant is not present in population databases (gnomAD no frequency).

Literature cited by the submitters: PubMed 17576681; PubMed 9536098.